The following is an entry in ClinVar:

ClinVar aggregate classification (germline): Uncertain significance (1 of 4 stars; one submission).

Allele frequency attached by ClinVar (database versions not stated): TOPMed below 0.00001.
gnomAD v4.1: 3 of 1,613,452 alleles (0.00019%); highest among the groups gnomAD compares: Non-Finnish European, 0.00025%; no homozygotes.

Submission:

Labcorp Genetics (formerly Invitae), Labcorp
Classification: Uncertain significance. Last evaluated: 2025-01-27. Review status: criteria provided, single submitter. Criteria: Invitae Variant Classification Sherloc (09022015). Collection method: clinical testing. Allele origin: germline.
Comment: This sequence change replaces leucine, which is neutral and non-polar, with proline, which is neutral and non-polar, at codon 118 of the PLOD3 protein (p.Leu118Pro). This variant is not present in population databases (gnomAD no frequency). This variant has not been reported in the literature in individuals affected with PLOD3-related conditions. ClinVar contains an entry for this variant (Variation ID: 1924033). Invitae Evidence Modeling of protein sequence and biophysical properties (such as structural, functional, and spatial information, amino acid conservation, physicochemical variation, residue mobility, and thermodynamic stability) indicates that this missense variant is expected to disrupt PLOD3 protein function with a positive predictive value of 80%. In summary, the available evidence is currently insufficient to determine the role of this variant in disease. Therefore, it has been classified as a Variant of Uncertain Significance.

NM_001084.5(PLOD3):c.353T>C (p.Leu118Pro)

Gene: PLOD3 (procollagen-lysine,2-oxoglutarate 5-dioxygenase 3; minus strand). Cytogenetic location: 7q22.1.
Variant type: single nucleotide variant.
Coding change: c.353T>C on transcript NM_001084.5 (MANE Select); coding-DNA position 353, T replaced by C.
Protein change: p.Leu118Pro; replaces leucine 118 with proline.
Molecular consequence: missense variant.
Genome position (GRCh38, 1-based): chr7:101,216,312, A>G on the plus strand (T>C on the coding strand, the complement: PLOD3 is on the minus strand). VCF-style: chr7-101216312-A-G. GRCh37 (hg19) VCF-style: chr7-100859593-A-G.
Other names: short protein forms L118P.
Identifiers: ClinVar variation 1924033 (VCV001924033.5), dbSNP rs1322535361, ClinGen allele CA368625853.